The following is an entry in ClinVar:

NM_002539.3(ODC1):c.67A>C (p.Ile23Leu)

Gene: ODC1 (ornithine decarboxylase 1; minus strand). Cytogenetic location: 2p25.1.
Variant type: single nucleotide variant.
Coding change: c.67A>C on transcript NM_002539.3 (MANE Select); coding-DNA position 67, A replaced by C.
Protein change: p.Ile23Leu; replaces isoleucine 23 with leucine.
Molecular consequence: missense variant. On other transcripts: 5 prime UTR variant (1).
Genome position (GRCh38, 1-based): chr2:10,444,966, T>G on the plus strand (A>C on the coding strand, the complement: ODC1 is on the minus strand). VCF-style: chr2-10444966-T-G. GRCh37 (hg19) VCF-style: chr2-10585092-T-G.
Other names: c.-221A>C (NM_001287188.2); c.67A>C, p.Ile23Leu (NM_001287189.2, NM_001287190.2); short protein forms I23L.
Identifiers: ClinVar variation 4885300 (VCV004885300.2).
Genomic context (GRCh38, chr2:10,444,966, plus strand): 5'-GCCAGCATGGGCCTCATATACTTACAGAAGAAGAAACTTCATTAATTTTCTGGTCCAGAA[T>G]GTCCTTGGCAGTAAAACCTTCATCGAGGAAGTGGCAGTCAAACTCTTCATTACCAAAGTT-3'
Protein context (NP_002530.1, residues 13-33): FLDEGFTAKD[Ile23Leu]LDQKINEVSS

ClinVar aggregate classification (germline): Uncertain significance (1 of 4 stars; one submission).

gnomAD v4.1: 13 of 1,613,708 alleles (0.00081%); highest among the groups gnomAD compares: Middle Eastern, 0.016%; no homozygotes.

Submission:

Dasa
Classification: Uncertain significance. Last evaluated: 2025-12-28. Review status: criteria provided, single submitter. Criteria: DASA Assertion Criteria. Collection method: clinical testing. Allele origin: germline.
Comment: NM_002539.3(ODC1):c.67A>C (p.Ile23Leu) is a missense variant that results in the substitution of isoleucine with leucine. This variant is rare in population databases. The currently available literature and clinical evidence are not sufficient to establish a definitive association between this variant and the reported condition. Therefore, this variant is classified as a variant of uncertain significance.